The following is an entry in ClinVar:

NM_006648.4(WNK2):c.4040C>T (p.Ala1347Val)

Gene: WNK2 (WNK lysine deficient protein kinase 2; plus strand). Cytogenetic location: 9q22.31.
Variant type: single nucleotide variant.
Coding change: c.4040C>T on transcript NM_006648.4 (MANE Select); coding-DNA position 4040, C replaced by T.
Protein change: p.Ala1347Val; replaces alanine 1347 with valine.
Molecular consequence: missense variant.
Genome position (GRCh38, 1-based): chr9:93,288,794, C>T. VCF-style: chr9-93288794-C-T. GRCh37 (hg19) VCF-style: chr9-96051076-C-T.
Other names: c.4151C>T, p.Ala1384Val (NM_001282394.3); short protein forms A1384V, A1347V.
Identifiers: ClinVar variation 3816709 (VCV003816709.1).
Genomic context (GRCh38, chr9:93,288,794, plus strand): 5'-GGTAGATAGGACTGGAGTACCCTGGTACAAAGGCATTTTCCCCATTTCTTCTAGATTCAG[C>T]GCCCTATAAAGACCAGCTGTCCTCGAAGGAACAACCCAGCTTTCTAGCCAGTCAGCAGCT-3'
Protein context (NP_006639.3, residues 1337-1357): SLPPEASQDS[Ala1347Val]PYKDQLSSKE

ClinVar aggregate classification (germline): Uncertain significance (1 of 4 stars; one submission).

gnomAD v4.1: 111 of 1,609,162 alleles (0.0069%); highest among the groups gnomAD compares: South Asian, 0.097%; 1 homozygote.

Submission:

Ambry Genetics
Classification: Uncertain significance. Last evaluated: 2025-01-03. Review status: criteria provided, single submitter. Criteria: Ambry Variant Classification Scheme 2023. Collection method: clinical testing. Allele origin: germline.
Comment: The p.A1347V variant (also known as c.4040C>T), located in coding exon 19 of the WNK2 gene, results from a C to T substitution at nucleotide position 4040. The alanine at codon 1347 is replaced by valine, an amino acid with similar properties. This amino acid position is conserved. In addition, this alteration is predicted to be tolerated by in silico analysis. Based on the available evidence, the clinical significance of this variant remains unclear.